The following is an entry in ClinVar:

NM_000064.4(C3):c.3467A>C (p.Asp1156Ala)

Gene: C3 (complement C3; minus strand). Cytogenetic location: 19p13.3.
Variant type: single nucleotide variant.
Coding change: c.3467A>C on transcript NM_000064.4 (MANE Select); coding-DNA position 3467, A replaced by C.
Protein change: p.Asp1156Ala; replaces aspartic acid 1156 with alanine.
Molecular consequence: missense variant.
Genome position (GRCh38, 1-based): chr19:6,690,651, T>G on the plus strand (A>C on the coding strand, the complement: C3 is on the minus strand). VCF-style: chr19-6690651-T-G. GRCh37 (hg19) VCF-style: chr19-6690662-T-G.
Other names: short protein forms D1156A.
Identifiers: ClinVar variation 4280209 (VCV004280209.1).

ClinVar aggregate classification (germline): Uncertain significance (1 of 4 stars; one submission).

Conditions:
Complement component 3 deficiency. Identifiers: Orphanet 280133, MedGen C3151071, MONDO:0013417, OMIM 613779.
C3 glomerulonephritis. Also called: Nephropathy due to CFHR5 Deficiency; C3 GLOMERULOPATHY 3. Identifiers: Orphanet 329931, MedGen C4055342, MONDO:0013892, OMIM 614809.
Atypical hemolytic-uremic syndrome. Identifiers: Orphanet 2134, MedGen C2931788, MONDO:0016244.

Submission:

Genomenon, Inc
Classification: Uncertain significance for Complement component 3 deficiency; C3 glomerulonephritis; Atypical hemolytic-uremic syndrome. Last evaluated: 2025-09-30. Review status: criteria provided, single submitter. Criteria: Genomenon Sequence Variant Interpretation Standards. Collection method: curation. Allele origin: germline. Affected: no.
Comment: C3 p.Asp1156Ala (c.3467A>C) is a missense variant that changes the amino acid at residue 1156 from Aspartic acid to Alanine. This variant has been reported in the published literature (PMID:15187133;11034390;20083651;27814381;20091675;25628052;17434528;20951140). It is absent or not present at a significant frequency in gnomAD. In silico models agree that this variant is not damaging. In conclusion, we classify C3 p.Asp1156Ala (c.3467A>C) as a variant of unknown significance.

Literature cited by the submitters: PubMed 15187133; PubMed 11034390; PubMed 20083651; PubMed 27814381; PubMed 20091675; PubMed 25628052; PubMed 17434528; PubMed 20951140.